The following is an entry in ClinVar:

ClinVar aggregate classification (germline): Uncertain significance. Review status: criteria provided, multiple submitters, no conflicts (2 of 4 stars). 4 submissions from 3 submitters: Uncertain significance (4). Last evaluated 2024-10-14.

Conditions:
LAMB2-related infantile-onset nephrotic syndrome. Also called: NEPHROTIC SYNDROME, TYPE 5, WITHOUT OCULAR ABNORMALITIES; NEPHROTIC SYNDROME, TYPE 5, WITH OCULAR ABNORMALITIES; Nephrotic Syndrome, type 5. Identifiers: Orphanet 306507, MedGen C3280113, MONDO:0013621, OMIM 614199.
Pierson syndrome. Also called: MICROCORIA-CONGENITAL NEPHROTIC SYNDROME. Identifiers: Orphanet 2670, MedGen C1836876, MONDO:0012184, OMIM 609049.
Inborn genetic diseases. Identifiers: MedGen C0950123, MeSH D030342.

Allele frequency attached by ClinVar (database versions not stated): gnomAD exomes 0.00007 and 0.00005; TOPMed 0.00003; gnomAD 0.00004; ExAC 0.00005.
gnomAD v4.1: 109 of 1,613,554 alleles (0.0068%); highest among the groups gnomAD compares: Middle Eastern, 0.016%; no homozygotes.

Submissions (4):

Labcorp Genetics (formerly Invitae), Labcorp
Classification: Uncertain significance for LAMB2-related infantile-onset nephrotic syndrome; Pierson syndrome. Last evaluated: 2024-10-14. Review status: criteria provided, single submitter. Criteria: Invitae Variant Classification Sherloc (09022015). Collection method: clinical testing. Allele origin: germline.
Comment: This sequence change replaces arginine, which is basic and polar, with glutamine, which is neutral and polar, at codon 1674 of the LAMB2 protein (p.Arg1674Gln). The frequency data for this variant in the population databases is considered unreliable, as metrics indicate poor data quality at this position in the gnomAD database. This variant has not been reported in the literature in individuals affected with LAMB2-related conditions. ClinVar contains an entry for this variant (Variation ID: 345976). An algorithm developed to predict the effect of missense changes on protein structure and function (PolyPhen-2) suggests that this variant is likely to be tolerated. In summary, the available evidence is currently insufficient to determine the role of this variant in disease. Therefore, it has been classified as a Variant of Uncertain Significance.

Ambry Genetics
Classification: Uncertain significance for Inborn genetic diseases. Last evaluated: 2021-10-29. Review status: criteria provided, single submitter. Criteria: Ambry Variant Classification Scheme 2023. Collection method: clinical testing. Allele origin: germline.

Illumina Laboratory Services, Illumina
Classification: Uncertain significance for Pierson syndrome. Last evaluated: 2018-01-13. Review status: criteria provided, single submitter. Criteria: ICSL Variant Classification Criteria 13 December 2019. Collection method: clinical testing. Allele origin: germline.

Illumina Laboratory Services, Illumina
Classification: Uncertain significance for LAMB2-related infantile-onset nephrotic syndrome. Last evaluated: 2018-01-13. Review status: criteria provided, single submitter. Criteria: ICSL Variant Classification Criteria 13 December 2019. Collection method: clinical testing. Allele origin: germline.

NM_002292.4(LAMB2):c.5021G>A (p.Arg1674Gln)

Gene: LAMB2 (laminin subunit beta 2; minus strand). Cytogenetic location: 3p21.31.
Variant type: single nucleotide variant.
Coding change: c.5021G>A on transcript NM_002292.4 (MANE Select); coding-DNA position 5021, G replaced by A.
Protein change: p.Arg1674Gln; replaces arginine 1674 with glutamine.
Molecular consequence: missense variant.
Genome position (GRCh38, 1-based): chr3:49,121,763, C>T on the plus strand (G>A on the coding strand, the complement: LAMB2 is on the minus strand). VCF-style: chr3-49121763-C-T. GRCh37 (hg19) VCF-style: chr3-49159196-C-T.
Other names: short protein forms R1674Q.
Identifiers: ClinVar variation 345976 (VCV000345976.12), dbSNP rs764128779, ClinGen allele CA2393629.